The following is an entry in ClinVar:

NM_006514.4(SCN10A):c.2577A>C (p.Glu859Asp)

Gene: SCN10A (sodium voltage-gated channel alpha subunit 10; minus strand). Cytogenetic location: 3p22.2.
Variant type: single nucleotide variant.
Coding change: c.2577A>C on transcript NM_006514.4 (MANE Select); coding-DNA position 2577, A replaced by C.
Protein change: p.Glu859Asp; replaces glutamic acid 859 with aspartic acid.
Molecular consequence: missense variant.
Genome position (GRCh38, 1-based): chr3:38,728,605, T>G on the plus strand (A>C on the coding strand, the complement: SCN10A is on the minus strand). VCF-style: chr3-38728605-T-G. GRCh37 (hg19) VCF-style: chr3-38770096-T-G.
Other names: c.2577A>C, p.Glu859Asp (NM_001293306.2); c.2283A>C, p.Glu761Asp (NM_001293307.2); short protein forms E761D, E859D.
Identifiers: ClinVar variation 847057 (VCV000847057.6), dbSNP rs2063481465, ClinGen allele CA352160165.
Genomic context (GRCh38, chr3:38,728,605, plus strand): 5'-CAGGTTCCCTAGCACCATCACCGTCAAGAAAAGGATGAGGCATATGGATTTTTGGCCAAC[T>G]TCCATGCAGGCCCACATGTTCTCAATCCACTCTCCACAGAGGATACGGAAGACAATGAGG-3'
Protein context (NP_006505.4, residues 849-869): EWIENMWACM[Glu859Asp]VGQKSICLIL

ClinVar aggregate classification (germline): Uncertain significance (1 of 4 stars; one submission).

Conditions:
Brugada syndrome. Also called: Sudden unexplained nocturnal death syndrome; Sudden unexpected nocturnal death syndrome; Sudden Unexplained Death Syndrome; Sudden Unexplained Nocturnal Death Syndrome (SUNDS). Identifiers: Orphanet 130, MedGen C1142166, MONDO:0015263.

Allele frequency attached by ClinVar (database versions not stated): gnomAD exomes below 0.00001.
gnomAD v4.1: 1 of 1,612,010 alleles (0.000062%); highest among the groups gnomAD compares: African/African-American, 0.0013%; no homozygotes.

Submission:

Labcorp Genetics (formerly Invitae), Labcorp
Classification: Uncertain significance for Brugada syndrome. Last evaluated: 2022-03-18. Review status: criteria provided, single submitter. Criteria: Invitae Variant Classification Sherloc (09022015). Collection method: clinical testing. Allele origin: germline.
Comment: This sequence change replaces glutamic acid, which is acidic and polar, with aspartic acid, which is acidic and polar, at codon 859 of the SCN10A protein (p.Glu859Asp). This variant is not present in population databases (gnomAD no frequency). This variant has not been reported in the literature in individuals affected with SCN10A-related conditions. ClinVar contains an entry for this variant (Variation ID: 847057). Advanced modeling of protein sequence and biophysical properties (such as structural, functional, and spatial information, amino acid conservation, physicochemical variation, residue mobility, and thermodynamic stability) performed at Invitae indicates that this missense variant is not expected to disrupt SCN10A protein function. In summary, the available evidence is currently insufficient to determine the role of this variant in disease. Therefore, it has been classified as a Variant of Uncertain Significance.